The following is an entry in ClinVar:

NC_000002.11:g.(?_225400225)_(225400378_?)del

Gene: CUL3 (cullin 3; minus strand). Cytogenetic location: 2q36.2.
Variant type: Deletion.
Identifiers: ClinVar variation 2424706 (VCV002424706.4).

ClinVar aggregate classification (germline): Uncertain significance (1 of 4 stars; one submission).

Submission:

Labcorp Genetics (formerly Invitae), Labcorp
Classification: Uncertain significance. Last evaluated: 2022-02-20. Review status: criteria provided, single submitter. Criteria: Invitae Variant Classification Sherloc (09022015). Collection method: clinical testing. Allele origin: germline.
Comment: In summary, the available evidence is currently insufficient to determine the role of this variant in disease. Therefore, it has been classified as a Variant of Uncertain Significance. This variant has not been reported in the literature in individuals affected with CUL3-related conditions. This variant is a gross deletion of the genomic region encompassing exon(s) 3 of the CUL3 gene. This variant would be expected to be in-frame, preserving the integrity of the reading frame.